The following is an entry in ClinVar:

ClinVar aggregate classification (germline): Uncertain significance (1 of 4 stars; one submission).

Conditions:
Hereditary cancer-predisposing syndrome. Also called: Neoplastic Syndromes, Hereditary; Tumor predisposition; Hereditary Cancer Syndrome; Hereditary neoplastic syndrome. Identifiers: Orphanet 140162, MedGen C0027672, MeSH D009386, MONDO:0015356.

Submission:

Ambry Genetics
Classification: Uncertain significance for Hereditary cancer-predisposing syndrome. Last evaluated: 2026-04-05. Review status: criteria provided, single submitter. Criteria: Ambry Variant Classification Scheme 2023. Collection method: clinical testing. Allele origin: germline.
Comment: The p.G1142V variant (also known as c.3425G>T), located in coding exon 20 of the PTCH1 gene, results from a G to T substitution at nucleotide position 3425. The glycine at codon 1142 is replaced by valine, an amino acid with dissimilar properties. This amino acid position is conserved. In addition, this alteration is predicted to be deleterious by in silico analysis. Based on the available evidence, the clinical significance of this variant remains unclear.

NM_000264.5(PTCH1):c.3425G>T (p.Gly1142Val)

Gene: PTCH1 (patched 1; minus strand). Cytogenetic location: 9q22.32.
Variant type: single nucleotide variant.
Coding change: c.3425G>T on transcript NM_000264.5 (MANE Select); coding-DNA position 3425, G replaced by T.
Protein change: p.Gly1142Val; replaces glycine 1142 with valine.
Molecular consequence: missense variant. On other transcripts: non-coding transcript variant (1).
Genome position (GRCh38, 1-based): chr9:95,453,502, C>A on the plus strand (G>T on the coding strand, the complement: PTCH1 is on the minus strand). VCF-style: chr9-95453502-C-A. GRCh37 (hg19) VCF-style: chr9-98215784-C-A.
Other names: c.3227G>T, p.Gly1076Val (NM_001083602.3); c.3422G>T, p.Gly1141Val (NM_001083603.3); c.2972G>T, p.Gly991Val (NM_001083604.3, NM_001083605.3, NM_001083606.3 and 1 more transcripts); c.3269G>T, p.Gly1090Val (NM_001354918.2); short protein forms G1076V, G1090V, G1141V, G1142V, G991V.
Identifiers: ClinVar variation 4862658 (VCV004862658.1).
Genomic context (GRCh38, chr9:95,453,502, plus strand): 5'-TTTCTAAAACATGTCTCCTTGCACACGCCTGCTTACCTGACAATGAAGTCGAACTCAGAT[C>A]CCGCCAGCATCAGCACTCCCAGCAGAGTGGACACGGCGCCATCCAGGACGGGTGCAAACA-3'
Protein context (NP_000255.2, residues 1132-1152): STLLGVLMLA[Gly1142Val]SEFDFIVRYF